The following is an entry in ClinVar:

NM_000222.3(KIT):c.1781C>A (p.Thr594Asn)

Gene: KIT (KIT proto-oncogene, receptor tyrosine kinase; plus strand). Cytogenetic location: 4q12.
Variant type: single nucleotide variant.
Coding change: c.1781C>A on transcript NM_000222.3 (MANE Select); coding-DNA position 1781, C replaced by A.
Protein change: p.Thr594Asn; replaces threonine 594 with asparagine.
Molecular consequence: missense variant.
Genome position (GRCh38, 1-based): chr4:54,727,829, C>A. VCF-style: chr4-54727829-C-A. GRCh37 (hg19) VCF-style: chr4-55593995-C-A.
Other names: c.1769C>A, p.Thr590Asn (NM_001093772.2, NM_001385286.1); c.1784C>A, p.Thr595Asn (NM_001385284.1, NM_001385290.1); c.1781C>A, p.Thr594Asn (NM_001385285.1); c.1772C>A, p.Thr591Asn (NM_001385288.1, NM_001385292.1); short protein forms T590N, T591N, T594N, T595N.
Identifiers: ClinVar variation 2720695 (VCV002720695.3), dbSNP rs375351432, ClinGen allele CA356907834.

ClinVar aggregate classification (germline): Uncertain significance (1 of 4 stars; one submission).

Conditions:
Gastrointestinal stromal tumor. Also called: Gastrointestinal stromal tumor, somatic; Gastrointestinal stroma tumor. Identifiers: Orphanet 44890, MedGen C0238198, MeSH D046152, MONDO:0011719, OMIM 606764, HP:0100723.

Submission:

Labcorp Genetics (formerly Invitae), Labcorp
Classification: Uncertain significance for Gastrointestinal stromal tumor. Last evaluated: 2023-11-24. Review status: criteria provided, single submitter. Criteria: Invitae Variant Classification Sherloc (09022015). Collection method: clinical testing. Allele origin: germline.
Comment: This sequence change replaces threonine, which is neutral and polar, with asparagine, which is neutral and polar, at codon 594 of the KIT protein (p.Thr594Asn). This variant is not present in population databases (gnomAD no frequency). This variant has not been reported in the literature in individuals affected with KIT-related conditions. An algorithm developed to predict the effect of missense changes on protein structure and function (PolyPhen-2) suggests that this variant is likely to be disruptive. In summary, the available evidence is currently insufficient to determine the role of this variant in disease. Therefore, it has been classified as a Variant of Uncertain Significance.